The following is an entry in ClinVar:

ClinVar aggregate classification (germline): Pathogenic. Review status: reviewed by expert panel (3 of 4 stars). 20 submissions from 20 submitters: Pathogenic (1). 19 of the submissions do not count toward it. Last evaluated 2016-04-22.

Conditions:
Hereditary cancer-predisposing syndrome. Also called: Neoplastic Syndromes, Hereditary; Tumor predisposition; Hereditary Cancer Syndrome; Hereditary neoplastic syndrome. Identifiers: Orphanet 140162, MedGen C0027672, MeSH D009386, MONDO:0015356.
Ovarian serous surface papillary adenocarcinoma. Identifiers: MedGen C1335178, MONDO:0003874.
Hereditary breast ovarian cancer syndrome. Also called: Hereditary breast and ovarian cancer; Breast and ovarian cancer; Hereditary breast and/or ovarian cancer syndrome; Hereditary breast and ovarian cancer syndrome (HBOC); Hereditary breast and ovarian cancer syndrome; BRCA1- and BRCA2-Associated Hereditary Breast and Ovarian Cancer. Identifiers: Orphanet 145, MedGen C0677776, MeSH D061325, MONDO:0003582. Disease mechanism: loss of function.
Breast-ovarian cancer, familial, susceptibility to, 1 (BROVCA1). Also called: OVARIAN CANCER, SUSCEPTIBILITY TO; BRCA1 Hereditary Breast and Ovarian Cancer. Identifiers: Orphanet 145, MedGen C2676676, MONDO:0011450, OMIM 604370. Disease mechanism: loss of function.
Malignant tumor of breast. Also called: Malignant breast neoplasm; Cancer breast. Identifiers: MedGen C0006142, MONDO:0007254. Disease mechanism: loss of function.

Allele frequency attached by ClinVar (database versions not stated): gnomAD exomes below 0.00001 and 0.00001; ExAC 0.00001.

Submissions 1 to 8 of 20:

Evidence-based Network for the Interpretation of Germline Mutant Alleles (ENIGMA)
Classification: Pathogenic for Breast-ovarian cancer, familial, susceptibility to, 1. Last evaluated: 2016-04-22. Review status: reviewed by expert panel. Criteria: ENIGMA BRCA1/2 Classification Criteria (2015). Collection method: curation. Allele origin: germline.
Comment: Variant allele predicted to encode a truncated non-functional protein.

Labcorp Genetics (formerly Invitae), Labcorp
Classification: Pathogenic for Hereditary breast ovarian cancer syndrome. Last evaluated: 2026-01-13. Review status: criteria provided, single submitter. Criteria: Invitae Variant Classification Sherloc (09022015). Collection method: clinical testing. Allele origin: germline. Not counted in ClinVar's aggregate classification.
Comment: This sequence change creates a premature translational stop signal (p.Glu1210Argfs*9) in the BRCA1 gene. It is expected to result in an absent or disrupted protein product. Loss-of-function variants in BRCA1 are known to be pathogenic (PMID: 20104584). This variant is present in population databases (rs80357729, gnomAD 0.01%). This premature translational stop signal has been observed in individual(s) with breast and/or ovarian cancer (PMID: 16949048, 22160602, 22382806, 22798144, 23633455). This variant is also known as 3627insA and 3746insA. ClinVar contains an entry for this variant (Variation ID: 37534). For these reasons, this variant has been classified as Pathogenic.

Color Diagnostics, LLC DBA Color Health
Classification: Pathogenic for Hereditary cancer-predisposing syndrome. Last evaluated: 2025-11-24. Review status: criteria provided, single submitter. Criteria: ACMG Guidelines, 2015. Collection method: clinical testing. Allele origin: germline. Not counted in ClinVar's aggregate classification.
Comment: This variant inserts 1 nucleotide in exon 10 of the BRCA1 gene, creating a frameshift and premature translation stop signal. This variant is expected to result in an absent or non-functional protein product. This variant has been observed in multiple individuals and families affected with breast and ovarian cancer (PMID: 16084575, 16949048, 16455195 , 20033483, 22160602, 22762150, 22798144, 23961350, 23633455, 24728189, 24916970, 27167707, 29446198, 29907814, 30257646, 32019277). Multifactorial analysis reached a combined likelihood ratio (LR) of 31.031 based on breast cancer case-control data and personal and family history for 5 carriers (PMID: 31853058, 40413188). This variant has been identified in 5/1614148 chromosomes in the general population by the Genome Aggregation Database (gnomAD). Loss of BRCA1 function is a known mechanism of disease. Based on the available evidence, this variant is classified as Pathogenic.

Ambry Genetics
Classification: Pathogenic for Hereditary cancer-predisposing syndrome. Last evaluated: 2025-06-07. Review status: criteria provided, single submitter. Criteria: Ambry Variant Classification Scheme 2023. Collection method: clinical testing. Allele origin: germline. Not counted in ClinVar's aggregate classification.
Comment: The c.3627dupA pathogenic mutation, located in coding exon 9 of the BRCA1 gene, results from a duplication of A at nucleotide position 3627, causing a translational frameshift with a predicted alternate stop codon (p.E1210Rfs*9). This mutation has been reported in many Korean breast and ovarian cancer families and may be associated with a Korean founder effect (Kim BY et al. Biochem. Biophys. Res. Commun. 2006 Oct;349:604-10; Schneegans SM et al. Fam. Cancer. 2012 Jun;11:181-8; George J et al. Clin. Cancer Res. 2013 Jul;19:3474-84; Kim H et al. Breast Cancer Res. Treat. 2012 Aug;134:1315-26; Jang JH et al. J. Hum. Genet. 2012 Mar;57:212-5; Son BH et al. Breast Cancer Res. Treat. 2012 Jun;133:1143-52; Song H et al. Hum. Mol. Genet. 2014 Sep;23:4703-9; Rebbeck TR et al. Breast Cancer Res. 2016 11;18:112; Park JS et al. Cancer Res. Treat. 2017 Oct;49:1012-1021; Han SH et al. Clin. Genet. 2006 Dec;70:496-501; Ahn SH et al. Cancer Lett. 2007 Jan;245:90-5; Seong MW et al. Clin. Genet. 2009 Aug;76:152-60). This alteration was identified in a large, worldwide study of BRCA1/2 mutation positive families (Rebbeck TR et al. Hum. Mutat. 2018 05;39:593-620). Of note, this alteration is also designated as 3746insA in published literature. In addition to the clinical data presented in the literature, this alteration is expected to result in loss of function by premature protein truncation or nonsense-mediated mRNA decay. As such, this alteration is interpreted as a disease-causing mutation.

All of Us Research Program, National Institutes of Health
Classification: Pathogenic for Breast-ovarian cancer, familial, susceptibility to, 1. Last evaluated: 2023-07-19. Review status: criteria provided, single submitter. Criteria: ACMG Guidelines, 2015. Collection method: clinical testing. Allele origin: germline. Inheritance: Autosomal dominant inheritance. Observed: 1 variant allele, 1 heterozygote. Not counted in ClinVar's aggregate classification.
Comment: This variant inserts 1 nucleotide in exon 10 of the BRCA1 gene, creating a frameshift and premature translation stop signal. This variant is expected to result in an absent or non-functional protein product. To our knowledge, functional studies have not been reported for this variant. This variant has been observed in multiple individuals and families affected with breast and ovarian cancer (PMID: 16084575, 16949048, 16455195 , 20033483, 22160602, 22762150, 22798144, 23961350, 23633455, 24728189, 24916970, 27167707, 29446198, 29907814, 30257646, 32019277). This variant has been identified in 2/251268 chromosomes in the general population by the Genome Aggregation Database (gnomAD). Loss of BRCA1 function is a known mechanism of disease. Based on the available evidence, this variant is classified as Pathogenic.

This study involves interpretation of variants in research participants for the purpose of population health screening. Participant phenotype was not available at the time of variant classification. Additional details can be found in publication PMID: 35346344, PMCID: PMC8962531

CeGaT Center for Human Genetics Tuebingen
Classification: Pathogenic. Last evaluated: 2023-07-01. Review status: criteria provided, single submitter. Criteria: CeGaT Center For Human Genetics Tuebingen Variant Classification Criteria Version 2. Collection method: clinical testing. Allele origin: germline. Affected: yes. Observed: 2 variant alleles. Not counted in ClinVar's aggregate classification.
Comment: BRCA1: PVS1, PM2, PS4:Moderate, PP1

GeneDx
Classification: Pathogenic. Last evaluated: 2023-05-12. Review status: criteria provided, single submitter. Criteria: GeneDx Variant Classification Process June 2021. Collection method: clinical testing. Allele origin: germline. Affected: yes. Not counted in ClinVar's aggregate classification.
Comment: Frameshift variant predicted to result in protein truncation or nonsense mediated decay in a gene for which loss of function is a known mechanism of disease; Observed in association with breast and/or ovarian cancer and is a recurrent variant in Korean populations (Kim et al., 2006; Schneegans et al., 2012; Kim et al., 2012; Solano et al., 2012; Hirasawa et al., 2017; Lerner-Ellis et al., 2021); Truncating variants in this gene are considered pathogenic by a well-established clinical consortium and/or database; Not observed at significant frequency in large population cohorts (gnomAD); Also known as 3746dupA; This variant is associated with the following publications: (PMID: 16949048, 24916970, 28012317, 24728189, 22217648, 22382806, 20950396, 22762150, 17100994, 29348823, 25863477, 11802209, 29907814, 30257646, 29922827, 28888541, 23633455, 22160602, 27836010, 28111427, 28205045, 16084575, 16455195, 23961350, 27488874, 22798144, 30720863, 30078507, 30720243, 30350268, 33087929, 30309222, 31825140, 32455662, 31090900, 31447099, 34657373, 30702160, 34645131, 32885271)

Human Genetics Bochum, Ruhr University Bochum
Classification: Pathogenic for Breast-ovarian cancer, familial, susceptibility to, 1. Last evaluated: 2023-04-20. Review status: criteria provided, single submitter. Criteria: ACMG Guidelines, 2015. Collection method: clinical testing. Allele origin: germline. Affected: yes. Not counted in ClinVar's aggregate classification.
Comment: ACMG criteria used to clasify this variant:PVS1, PS4_SUP, PM2_SUP

NM_007294.4(BRCA1):c.3627dup (p.Glu1210fs)

Genes: BRCA1 (BRCA1 DNA repair associated; minus strand), LOC126862571 (BRD4-independent group 4 enhancer GRCh37_chr17:41243136-41244335; plus strand). Cytogenetic location: 17q21.31.
Variant type: Duplication.
Coding change: c.3627dup on transcript NM_007294.4 (MANE Select); coding-DNA position 3627, one base duplicated (A; older notation c.3627dupA).
Protein change: p.Glu1210fs; shifts the reading frame from glutamic acid 1210.
Molecular consequence: frameshift variant. On other transcripts: intron variant (135).
Genome position (GRCh38, 1-based): chr17:43,091,904, T duplicated on the plus strand (A on the coding strand, the reverse complement: BRCA1 is on the minus strand). VCF-style (leftmost placement, unchanged base first): chr17-43091903-C-CT. GRCh37 (hg19) VCF-style: chr17-41243920-C-CT.
Other names: 3746insA; c.3627insA (NM_007294.3); c.3627dupA (NM_007294.3); c.671-872dup (NM_001408422.1, NM_001408418.1, NM_001408423.1 and 2 more transcripts); c.707-872dup (NM_001408416.1, NM_001408413.1); c.578-872dup (NM_001408484.1, NM_001408478.1, NM_001408514.1 and 9 more transcripts); c.662-872dup (NM_001408450.1, NM_001408434.1, NM_001408447.1 and 6 more transcripts); c.785-872dup (NM_001408398.1, NM_001407992.1, NM_001408400.1 and 13 more transcripts); and 44 more; short protein forms E1163fs, E1210fs, E1099fs, E1139fs, E1209fs, E1082fs, E1098fs, E1184fs.
Identifiers: ClinVar variation 37534 (VCV000037534.71), dbSNP rs80357729, ClinGen allele CA002323.